The following is an entry in ClinVar:

ClinVar aggregate classification (germline): Conflicting classifications of pathogenicity. Review status: criteria provided, conflicting classifications (1 of 4 stars). 3 submissions from 3 submitters: Pathogenic (1); Likely pathogenic (1); Uncertain significance (1). Last evaluated 2025-07-25.

Conditions:
Multiple acyl-CoA dehydrogenase deficiency (MADD). Also called: Glutaric aciduria, type 2; Glutaric acidemia type II; GA 2; Glutaric Acidemia type 2; ETHYLMALONIC-ADIPICACIDURIA; GA II. Identifiers: Orphanet 26791, MedGen C0268596, MONDO:0009282, OMIM 231680.

Submissions (3):

Women's Health and Genetics/Laboratory Corporation of America, LabCorp
Classification: Uncertain significance. Last evaluated: 2025-07-25. Review status: criteria provided, single submitter. Criteria: LabCorp Variant Classification Summary - May 2015. Collection method: clinical testing. Allele origin: germline.
Comment: Variant summary: ETFDH c.992A>T (p.Asn331Ile) results in a non-conservative amino acid change in the encoded protein sequence. Algorithms developed to predict the effect of missense changes on protein structure and function all suggest that this variant is likely to be disruptive. The variant was absent in 251360 control chromosomes. The available data on variant occurrences in the general population are insufficient to allow any conclusion about variant significance. c.992A>T has been observed in the presumed compound heterozygous state in at least 1 individual(s) affected with Glutaric Aciduria, Type 2c (Gao_2018). These data do not allow any conclusion about variant significance. To our knowledge, no experimental evidence demonstrating an impact on protein function has been reported. The following publications have been ascertained in the context of this evaluation (PMID: 30022752, 32393189). ClinVar contains an entry for this variant (Variation ID: 1416115). Based on the evidence outlined above, the variant was classified as uncertain significance.

Fulgent Genetics
Classification: Likely pathogenic for Multiple acyl-CoA dehydrogenase deficiency. Last evaluated: 2024-04-18. Review status: criteria provided, single submitter. Criteria: ACMG Guidelines, 2015. Collection method: clinical testing. Allele origin: germline.

Labcorp Genetics (formerly Invitae), Labcorp
Classification: Pathogenic for Multiple acyl-CoA dehydrogenase deficiency. Last evaluated: 2023-08-16. Review status: criteria provided, single submitter. Criteria: Invitae Variant Classification Sherloc (09022015). Collection method: clinical testing. Allele origin: germline.
Comment: Advanced modeling of protein sequence and biophysical properties (such as structural, functional, and spatial information, amino acid conservation, physicochemical variation, residue mobility, and thermodynamic stability) performed at Invitae indicates that this missense variant is expected to disrupt ETFDH protein function. For these reasons, this variant has been classified as Pathogenic. ClinVar contains an entry for this variant (Variation ID: 1416115). This missense change has been observed in individual(s) with multiple acyl-CoA dehydrogenase deficiency (PMID: 30022752). In at least one individual the data is consistent with being in trans (on the opposite chromosome) from a pathogenic variant. This variant is not present in population databases (gnomAD no frequency). This sequence change replaces asparagine, which is neutral and polar, with isoleucine, which is neutral and non-polar, at codon 331 of the ETFDH protein (p.Asn331Ile).

Literature cited by the submitters: PubMed 30022752 (cited by Women's Health and Genetics/Laboratory Corporation of America, LabCorp and Labcorp Genetics (formerly Invitae), Labcorp); PubMed 32393189 (cited by Women's Health and Genetics/Laboratory Corporation of America, LabCorp).

NM_004453.4(ETFDH):c.992A>T (p.Asn331Ile)

Gene: ETFDH (electron transfer flavoprotein dehydrogenase; plus strand). Cytogenetic location: 4q32.1.
Variant type: single nucleotide variant.
Coding change: c.992A>T on transcript NM_004453.4 (MANE Select); coding-DNA position 992, A replaced by T.
Protein change: p.Asn331Ile; replaces asparagine 331 with isoleucine.
Molecular consequence: missense variant.
Genome position (GRCh38, 1-based): chr4:158,699,006, A>T. VCF-style: chr4-158699006-A-T. GRCh37 (hg19) VCF-style: chr4-159620158-A-T.
Other names: c.851A>T, p.Asn284Ile (NM_001281737.2); c.809A>T, p.Asn270Ile (NM_001281738.1); c.992A>T (NM_004453.3); short protein forms N284I, N270I, N331I.
Identifiers: ClinVar variation 1416115 (VCV001416115.10), dbSNP rs2150312216, ClinGen allele CA358561942.